The following is an entry in ClinVar:

ClinVar aggregate classification (germline): Uncertain significance (1 of 4 stars; one submission).

Conditions:
Hereditary cancer-predisposing syndrome. Also called: Tumor predisposition; Neoplastic Syndromes, Hereditary; Hereditary Cancer Syndrome; Hereditary neoplastic syndrome. Identifiers: Orphanet 140162, MedGen C0027672, MeSH D009386, MONDO:0015356.

gnomAD v4.1: 2 of 1,597,034 alleles (0.00013%); highest among the groups gnomAD compares: Non-Finnish European, 0.00017%; no homozygotes.

Submission:

Ambry Genetics
Classification: Uncertain significance for Hereditary cancer-predisposing syndrome. Last evaluated: 2025-03-08. Review status: criteria provided, single submitter. Criteria: Ambry Variant Classification Scheme 2023. Collection method: clinical testing. Allele origin: germline.
Comment: The p.P470Q variant (also known as c.1409C>A), located in coding exon 9 of the MEN1 gene, results from a C to A substitution at nucleotide position 1409. The proline at codon 470 is replaced by glutamine, an amino acid with similar properties. This amino acid position is conserved. In addition, the in silico prediction for this alteration is inconclusive. Based on the available evidence, the clinical significance of this variant remains unclear.

NM_001370259.2(MEN1):c.1409C>A (p.Pro470Gln)

Gene: MEN1 (menin 1; minus strand). Cytogenetic location: 11q13.1.
Variant type: single nucleotide variant.
Coding change: c.1409C>A on transcript NM_001370259.2 (MANE Select); coding-DNA position 1409, C replaced by A.
Protein change: p.Pro470Gln; replaces proline 470 with glutamine.
Molecular consequence: missense variant. On other transcripts: non-coding transcript variant (4).
Genome position (GRCh38, 1-based): chr11:64,804,758, G>T on the plus strand (C>A on the coding strand, the complement: MEN1 is on the minus strand). VCF-style: chr11-64804758-G-T. GRCh37 (hg19) VCF-style: chr11-64572230-G-T.
Other names: c.1424C>A, p.Pro475Gln (NM_000244.4, NM_001407145.1, NM_130800.3 and 4 more transcripts); c.1535C>A, p.Pro512Gln (NM_001370251.2, NM_001407142.1, NM_001407143.1 and 1 more transcripts); c.1409C>A, p.Pro470Gln (NM_001370260.2, NM_001370261.2, NM_001407146.1 and 2 more transcripts); c.1304C>A, p.Pro435Gln (NM_001370262.2, NM_001370263.2, NM_001407148.1 and 1 more transcripts); c.1550C>A, p.Pro517Gln (NM_001407150.1); c.1430C>A, p.Pro477Gln (NM_001407151.1); c.1244C>A, p.Pro415Gln (NM_001407152.1); short protein forms P512Q, P477Q, P415Q, P517Q, P435Q, P470Q, P475Q.
Identifiers: ClinVar variation 3872262 (VCV003872262.1).
Genomic context (GRCh38, chr11:64,804,758, plus strand): 5'-TCTGGCTTGGACTCCCGCCGTGGGCCCCGCCGCCGGCCTTCCCGGGCTTCCTCGCCCCAC[G>T]GCTCCTCGGCCTCGGCCGCCTCGGCCTCTCGGCTCACTATGCGCACCTTCTGCCGCACCT-3'
Protein context (NP_001357188.2, residues 460-480): REAEAAEAEE[Pro470Gln]WGEEAREGRR